The following is an entry in ClinVar:

NM_018249.6(CDK5RAP2):c.4626G>T (p.Leu1542Phe)

Gene: CDK5RAP2 (CDK5 regulatory subunit associated protein 2; minus strand). Cytogenetic location: 9q33.2.
Variant type: single nucleotide variant.
Coding change: c.4626G>T on transcript NM_018249.6 (MANE Select); coding-DNA position 4626, G replaced by T.
Protein change: p.Leu1542Phe; replaces leucine 1542 with phenylalanine.
Molecular consequence: missense variant. On other transcripts: non-coding transcript variant (5).
Genome position (GRCh38, 1-based): chr9:120,408,447, C>A on the plus strand (G>T on the coding strand, the complement: CDK5RAP2 is on the minus strand). VCF-style: chr9-120408447-C-A. GRCh37 (hg19) VCF-style: chr9-123170725-C-A.
Other names: c.4626G>T, p.Leu1542Phe (NM_001011649.3); c.3936G>T, p.Leu1312Phe (NM_001272039.2); short protein forms L1312F, L1542F.
Identifiers: ClinVar variation 1032029 (VCV001032029.11), dbSNP rs141563261, ClinGen allele CA5213492.

ClinVar aggregate classification (germline): Conflicting classifications of pathogenicity. Review status: criteria provided, conflicting classifications (1 of 4 stars). 4 submissions from 4 submitters: Uncertain significance (3); Likely benign (1). Last evaluated 2025-11-25.

Conditions:
Inborn genetic diseases. Identifiers: MedGen C0950123, MeSH D030342.
Microcephaly 3, primary, autosomal recessive. Identifiers: Orphanet 2512, MedGen C1858108, MONDO:0011488, OMIM 604804.

Allele frequency attached by ClinVar (database versions not stated): gnomAD exomes 0.00004 and 0.00011; ExAC 0.00012; 1000 Genomes Project 30x 0.00031; gnomAD 0.00035 and 0.00039; 1000 Genomes Project 0.00040; TOPMed 0.00057; ESP Exome Variant Server 0.00062.
gnomAD v4.1: 120 of 1,614,132 alleles (0.0074%); highest among the groups gnomAD compares: African/African-American, 0.15%; no homozygotes.

Submissions (4):

Labcorp Genetics (formerly Invitae), Labcorp
Classification: Uncertain significance. Last evaluated: 2025-11-25. Review status: criteria provided, single submitter. Criteria: Invitae Variant Classification Sherloc (09022015). Collection method: clinical testing. Allele origin: germline.
Comment: This sequence change replaces leucine, which is neutral and non-polar, with phenylalanine, which is neutral and non-polar, at codon 1542 of the CDK5RAP2 protein (p.Leu1542Phe). This variant is present in population databases (rs141563261, gnomAD 0.1%). This variant has not been reported in the literature in individuals affected with CDK5RAP2-related conditions. ClinVar contains an entry for this variant (Variation ID: 1032029). An algorithm developed to predict the effect of missense changes on protein structure and function (PolyPhen-2) suggests that this variant is likely to be disruptive. In summary, the available evidence is currently insufficient to determine the role of this variant in disease. Therefore, it has been classified as a Variant of Uncertain Significance.

Ambry Genetics
Classification: Likely benign for Inborn genetic diseases. Last evaluated: 2021-10-12. Review status: criteria provided, single submitter. Criteria: Ambry Variant Classification Scheme 2023. Collection method: clinical testing. Allele origin: germline.

GeneDx
Classification: Uncertain significance. Last evaluated: 2020-06-09. Review status: criteria provided, single submitter. Criteria: GeneDx Variant Classification Process June 2021. Collection method: clinical testing. Allele origin: germline. Affected: yes.
Comment: In silico analysis, which includes protein predictors and evolutionary conservation, supports a deleterious effect; Has not been previously published as pathogenic or benign to our knowledge

Baylor Genetics
Classification: Uncertain significance for Microcephaly 3, primary, autosomal recessive. Last evaluated: 2018-05-14. Review status: criteria provided, single submitter. Criteria: ACMG Guidelines, 2015. Collection method: clinical testing. Allele origin: maternal. Affected: yes.
Comment: This variant was determined to be of uncertain significance according to ACMG Guidelines, 2015 [PMID:25741868].